The following is an entry in ClinVar:

ClinVar aggregate classification (germline): Uncertain significance (1 of 4 stars; one submission).

Submission:

GeneDx
Classification: Uncertain significance. Last evaluated: 2019-04-05. Review status: criteria provided, single submitter. Criteria: GeneDx Variant Classification Process June 2021. Collection method: clinical testing. Allele origin: germline. Affected: yes.
Comment: Not observed in large population cohorts (Lek et al., 2016); In silico analysis, which includes protein predictors and evolutionary conservation, supports a deleterious effect; Has not been previously published as pathogenic or benign to our knowledge

NM_003070.5(SMARCA2):c.344A>T (p.Gln115Leu)

Gene: SMARCA2 (SWI/SNF related, matrix associated, actin dependent regulator of chromatin, subfamily a, member 2; plus strand). Cytogenetic location: 9p24.3.
Variant type: single nucleotide variant.
Coding change: c.344A>T on transcript NM_003070.5 (MANE Select); coding-DNA position 344, A replaced by T.
Protein change: p.Gln115Leu; replaces glutamine 115 with leucine.
Molecular consequence: missense variant.
Genome position (GRCh38, 1-based): chr9:2,033,070, A>T. VCF-style: chr9-2033070-A-T. GRCh37 (hg19) VCF-style: chr9-2033070-A-T.
Other names: c.344A>T, p.Gln115Leu (NM_001289396.2, NM_001289397.2, NM_139045.4); short protein forms Q115L.
Identifiers: ClinVar variation 1308470 (VCV001308470.2), dbSNP rs1218358072, ClinGen allele CA372779700.